The following is an entry in ClinVar:

ClinVar aggregate classification (germline): Uncertain significance (1 of 4 stars; one submission).

Allele frequency attached by ClinVar (database versions not stated): gnomAD exomes below 0.00001.
gnomAD v4.1: 6 of 1,599,930 alleles (0.00038%); highest among the groups gnomAD compares: Non-Finnish European, 0.00051%; no homozygotes.

Submission:

Labcorp Genetics (formerly Invitae), Labcorp
Classification: Uncertain significance. Last evaluated: 2021-10-02. Review status: criteria provided, single submitter. Criteria: Invitae Variant Classification Sherloc (09022015). Collection method: clinical testing. Allele origin: germline.
Comment: This sequence change replaces proline with serine at codon 595 of the TBCD protein (p.Pro595Ser). The proline residue is moderately conserved and there is a moderate physicochemical difference between proline and serine. This variant is not present in population databases (ExAC no frequency). This variant has not been reported in the literature in individuals affected with TBCD-related conditions. Algorithms developed to predict the effect of missense changes on protein structure and function are either unavailable or do not agree on the potential impact of this missense change (SIFT: "Tolerated"; PolyPhen-2: "Possibly Damaging"; Align-GVGD: "Class C0"). In summary, the available evidence is currently insufficient to determine the role of this variant in disease. Therefore, it has been classified as a Variant of Uncertain Significance.

NM_005993.5(TBCD):c.1783C>T (p.Pro595Ser)

Gene: TBCD (tubulin folding cofactor D). Cytogenetic location: 17q25.3.
Variant type: single nucleotide variant.
Coding change: c.1783C>T on transcript NM_005993.5 (MANE Select); coding-DNA position 1783, C replaced by T.
Protein change: p.Pro595Ser; replaces proline 595 with serine.
Molecular consequence: missense variant.
Genome position (GRCh38, 1-based): chr17:82,903,457, C>T. VCF-style: chr17-82903457-C-T. GRCh37 (hg19) VCF-style: chr17-80861333-C-T.
Other names: short protein forms P595S.
Identifiers: ClinVar variation 1479085 (VCV001479085.3), dbSNP rs2146728809, ClinGen allele CA401630215.